The following is an entry in ClinVar:

NM_006015.6(ARID1A):c.319G>A (p.Ala107Thr)

Gene: ARID1A (AT-rich interaction domain 1A; plus strand). Cytogenetic location: 1p36.11.
Variant type: single nucleotide variant.
Coding change: c.319G>A on transcript NM_006015.6 (MANE Select); coding-DNA position 319, G replaced by A.
Protein change: p.Ala107Thr; replaces alanine 107 with threonine.
Molecular consequence: missense variant.
Genome position (GRCh38, 1-based): chr1:26,696,722, G>A. VCF-style: chr1-26696722-G-A. GRCh37 (hg19) VCF-style: chr1-27023213-G-A.
Other names: c.319G>A, p.Ala107Thr (NM_139135.4); short protein forms A107T.
Identifiers: ClinVar variation 2801939 (VCV002801939.3), dbSNP rs2124741316, ClinGen allele CA339264865.
Genomic context (GRCh38, chr1:26,696,722, plus strand): 5'-GGAGCCGGCAGCGGCGGCGGGCCCGGCGCGGAGCCGGACCTGAAGAACTCGAACGGGAAC[G>A]CGGGCCCTAGGCCCGCCCTGAACAATAACCTCACGGAGCCGCCCGGCGGCGGCGGTGGCG-3'
Protein context (NP_006006.3, residues 97-117): EPDLKNSNGN[Ala107Thr]GPRPALNNNL

ClinVar aggregate classification (germline): Uncertain significance (1 of 4 stars; one submission).

Allele frequency attached by ClinVar (database versions not stated): gnomAD exomes 0.00001.
gnomAD v4.1: 3 of 1,368,368 alleles (0.00022%); highest among the groups gnomAD compares: Admixed American, 0.0036%; no homozygotes.

Submission:

Labcorp Genetics (formerly Invitae), Labcorp
Classification: Uncertain significance. Last evaluated: 2023-08-22. Review status: criteria provided, single submitter. Criteria: Invitae Variant Classification Sherloc (09022015). Collection method: clinical testing. Allele origin: germline.
Comment: In summary, the available evidence is currently insufficient to determine the role of this variant in disease. Therefore, it has been classified as a Variant of Uncertain Significance. Advanced modeling of protein sequence and biophysical properties (such as structural, functional, and spatial information, amino acid conservation, physicochemical variation, residue mobility, and thermodynamic stability) performed at Invitae indicates that this missense variant is not expected to disrupt ARID1A protein function. This variant has not been reported in the literature in individuals affected with ARID1A-related conditions. This variant is not present in population databases (gnomAD no frequency). This sequence change replaces alanine, which is neutral and non-polar, with threonine, which is neutral and polar, at codon 107 of the ARID1A protein (p.Ala107Thr).